The following is an entry in ClinVar:

Single allele

Variant type: Deletion.
Identifiers: ClinVar variation 157084 (VCV000157084.2).

ClinVar aggregate classification (germline): not provided (0 of 4 stars; one submission).

Conditions:
Normal pregnancy. Identifiers: MedGen C0232989.

Submission:

Institute of Molecular and Cell Biology, University of Tartu
No classification provided. Condition: Normal pregnancy. Review status: no classification provided. Collection method: case-control. Allele origin: unknown. Affected: yes. Study: Kasak2014.
Comment: The study aimed to determine the contribution of copy number variants in the genetic etiology of normal and complicated pregnancies. The samples represented (i) maternal blood DNA drawn from healthy pregnant women during 1st or 2nd trimester and (ii) maternal and paternal blood DNA drawn at term pregnancy cases representing normal and complicated gestations (severe preeclampsia, PE; gestational diabetes, GD; small-for-gestational age newborn, SGA; large-for-gestational age newborn, LGA). We performed CNV calling based on genome-wide genotyping dataset (Illumina HumanOmniExpress-24-v1 BeadChip) by applying three algorithms, QuantiSNP, GADA (Genome Alteration Detection Algorithm) and CNstream in parallel. The acquired CNV calls were merged with HD-CNV (Hotspot Detector for Copy Number Variants) program and only the CNVs predicted by at least two programs, were considered in subsequent analysis.

Literature cited by the submitters: PubMed 25666259.